The following is an entry in ClinVar:

ClinVar aggregate classification (germline): Uncertain significance (1 of 4 stars; one submission).

Conditions:
Inborn genetic diseases. Identifiers: MedGen C0950123, MeSH D030342.

gnomAD v4.1: 4 of 1,611,876 alleles (0.00025%); highest among the groups gnomAD compares: South Asian, 0.0011%; no homozygotes.

Submission:

Ambry Genetics
Classification: Uncertain significance for Inborn genetic diseases. Last evaluated: 2025-01-01. Review status: criteria provided, single submitter. Criteria: Ambry Variant Classification Scheme 2023. Collection method: clinical testing. Allele origin: germline.
Comment: The p.T835K variant (also known as c.2504C>A), located in coding exon 12 of the BMPR2 gene, results from a C to A substitution at nucleotide position 2504. The threonine at codon 835 is replaced by lysine, an amino acid with similar properties. This amino acid position is conserved. In addition, the in silico prediction for this alteration is inconclusive. Based on the available evidence, the clinical significance of this variant remains unclear.

NM_001204.7(BMPR2):c.2504C>A (p.Thr835Lys)

Gene: BMPR2 (bone morphogenetic protein receptor type 2; plus strand). Cytogenetic location: 2q33.2.
Variant type: single nucleotide variant.
Coding change: c.2504C>A on transcript NM_001204.7 (MANE Select); coding-DNA position 2504, C replaced by A.
Protein change: p.Thr835Lys; replaces threonine 835 with lysine.
Molecular consequence: missense variant.
Genome position (GRCh38, 1-based): chr2:202,556,169, C>A. VCF-style: chr2-202556169-C-A. GRCh37 (hg19) VCF-style: chr2-203420892-C-A.
Other names: short protein forms T835K.
Identifiers: ClinVar variation 3824802 (VCV003824802.1).
Genomic context (GRCh38, chr2:202,556,169, plus strand): 5'-GTGTTAACTCCCATGCTGCCACAACCCAATATGCCAATGGGACAGTACTATCTGGCCAAA[C>A]AACCAACATAGTGACACATAGGGCCCAAGAAATGTTGCAGAATCAGTTTATTGGTGAGGA-3'
Protein context (NP_001195.2, residues 825-845): YANGTVLSGQ[Thr835Lys]TNIVTHRAQE